The following is an entry in ClinVar:

ClinVar aggregate classification (germline): Uncertain significance (1 of 4 stars; one submission).

Conditions:
Adams-Oliver syndrome 5 (AOS5). Identifiers: Orphanet 974, MedGen C4014970, MONDO:0014459, OMIM 616028.

Allele frequency attached by ClinVar (database versions not stated): gnomAD exomes 0.00002; TOPMed below 0.00001; ExAC 0.00001.
gnomAD v4.1: 11 of 1,589,500 alleles (0.00069%); highest among the groups gnomAD compares: Non-Finnish European, 0.00094%; no homozygotes.

Submission:

Labcorp Genetics (formerly Invitae), Labcorp
Classification: Uncertain significance for Adams-Oliver syndrome 5. Last evaluated: 2025-07-14. Review status: criteria provided, single submitter. Criteria: Invitae Variant Classification Sherloc (09022015). Collection method: clinical testing. Allele origin: germline.
Comment: This sequence change replaces glycine, which is neutral and non-polar, with aspartic acid, which is acidic and polar, at codon 1342 of the NOTCH1 protein (p.Gly1342Asp). The frequency data for this variant in the population databases is considered unreliable, as metrics indicate poor data quality at this position in the gnomAD database. This missense change has been observed in individual(s) with clinical features of NOTCH1-related conditions (PMID: 30582441). ClinVar contains an entry for this variant (Variation ID: 2884024). Invitae Evidence Modeling of protein sequence and biophysical properties (such as structural, functional, and spatial information, amino acid conservation, physicochemical variation, residue mobility, and thermodynamic stability) indicates that this missense variant is expected to disrupt NOTCH1 protein function with a positive predictive value of 80%. In summary, the available evidence is currently insufficient to determine the role of this variant in disease. Therefore, it has been classified as a Variant of Uncertain Significance.

Literature cited by the submitters: PubMed 30582441.

NM_017617.5(NOTCH1):c.4025G>A (p.Gly1342Asp)

Gene: NOTCH1 (notch receptor 1; minus strand). Cytogenetic location: 9q34.3.
Variant type: single nucleotide variant.
Coding change: c.4025G>A on transcript NM_017617.5 (MANE Select); coding-DNA position 4025, G replaced by A.
Protein change: p.Gly1342Asp; replaces glycine 1342 with aspartic acid.
Molecular consequence: missense variant.
Genome position (GRCh38, 1-based): chr9:136,505,871, C>T on the plus strand (G>A on the coding strand, the complement: NOTCH1 is on the minus strand). VCF-style: chr9-136505871-C-T. GRCh37 (hg19) VCF-style: chr9-139400323-C-T.
Other names: short protein forms G1342D.
Identifiers: ClinVar variation 2884024 (VCV002884024.3), dbSNP rs775187426, ClinGen allele CA5340708.